The following is an entry in ClinVar:

ClinVar aggregate classification (germline): Uncertain significance. Review status: criteria provided, multiple submitters, no conflicts (2 of 4 stars). 4 submissions from 4 submitters: Uncertain significance (4). Last evaluated 2026-09-03.

Conditions:
DNAH5-related disorder. Also called: DNAH5-related condition.
Primary ciliary dyskinesia. Also called: Ciliary dyskinesia. Identifiers: Orphanet 244, MedGen C0008780, MONDO:0016575, HP:0012265.

Allele frequency attached by ClinVar (database versions not stated): gnomAD exomes below 0.00001; TOPMed below 0.00001; gnomAD 0.00001.
gnomAD v4.1: 5 of 1,612,766 alleles (0.00031%); highest among the groups gnomAD compares: Admixed American, 0.0033%; no homozygotes.

Submissions (4):

PreventionGenetics, part of Exact Sciences
Classification: Uncertain significance for DNAH5-related condition. Last evaluated: 2026-09-03. Review status: criteria provided, single submitter. Criteria: ACMG Guidelines, 2015. Collection method: clinical testing. Allele origin: germline.
Comment: The DNAH5 c.1756G>T variant is predicted to result in the amino acid substitution p.Asp586Tyr. To our knowledge, this variant has not been reported in the literature. This variant is reported in 0.0055% of alleles in individuals of East Asian descent in gnomAD. At this time, the clinical significance of this variant is uncertain due to the absence of conclusive functional and genetic evidence.

Women's Health and Genetics/Laboratory Corporation of America, LabCorp
Classification: Uncertain significance. Last evaluated: 2026-06-15. Review status: criteria provided, single submitter. Criteria: LabCorp Variant Classification Summary - May 2015. Collection method: clinical testing. Allele origin: germline.
Comment: Variant summary: DNAH5 c.1756G>T (p.Asp586Tyr) results in a non-conservative amino acid change in the encoded protein sequence. Algorithms developed to predict the effect of missense changes on protein structure and function are either unavailable or do not agree on the potential impact of this missense change. The variant allele was found at a frequency of 4.1e-06 in 244960 control chromosomes. The available data on variant occurrences in the general population are insufficient to allow any conclusion about variant significance. To our knowledge, no occurrence of c.1756G>T in individuals affected with DNAH5-related conditions and no experimental evidence demonstrating its impact on protein function have been reported. ClinVar contains an entry for this variant (Variation ID: 2348882). Based on the evidence outlined above, the variant was classified as uncertain significance.

Blueprint Genetics
Classification: Uncertain significance. Last evaluated: 2024-10-30. Review status: criteria provided, single submitter. Criteria: ACMG Guidelines, 2015. Collection method: clinical testing. Allele origin: germline.

Ambry Genetics
Classification: Uncertain significance for Primary ciliary dyskinesia. Last evaluated: 2024-06-21. Review status: criteria provided, single submitter. Criteria: Ambry Variant Classification Scheme 2023. Collection method: clinical testing. Allele origin: germline.
Comment: The p.D586Y variant (also known as c.1756G>T), located in coding exon 14 of the DNAH5 gene, results from a G to T substitution at nucleotide position 1756. The aspartic acid at codon 586 is replaced by tyrosine, an amino acid with highly dissimilar properties. This amino acid position is conserved. In addition, this alteration is predicted to be tolerated by in silico analysis. Based on the available evidence, the clinical significance of this variant remains unclear.

NM_001369.3(DNAH5):c.1756G>T (p.Asp586Tyr)

Gene: DNAH5 (dynein axonemal heavy chain 5; minus strand). Cytogenetic location: 5p15.2.
Variant type: single nucleotide variant.
Coding change: c.1756G>T on transcript NM_001369.3 (MANE Select); coding-DNA position 1756, G replaced by T.
Protein change: p.Asp586Tyr; replaces aspartic acid 586 with tyrosine.
Molecular consequence: missense variant.
Genome position (GRCh38, 1-based): chr5:13,901,548, C>A on the plus strand (G>T on the coding strand, the complement: DNAH5 is on the minus strand). VCF-style: chr5-13901548-C-A. GRCh37 (hg19) VCF-style: chr5-13901657-C-A.
Other names: short protein forms D586Y.
Identifiers: ClinVar variation 2348882 (VCV002348882.6), dbSNP rs1250105400, ClinGen allele CA359207272.